The following is an entry in ClinVar:

ClinVar aggregate classification (germline): Uncertain significance (1 of 4 stars; one submission).

Submission:

Ambry Genetics
Classification: Uncertain significance. Last evaluated: 2025-03-12. Review status: criteria provided, single submitter. Criteria: Ambry Variant Classification Scheme 2023. Collection method: clinical testing. Allele origin: germline.
Comment: The p.E146D variant (also known as c.438G>T), located in coding exon 1 of the WNK2 gene, results from a G to T substitution at nucleotide position 438. The glutamic acid at codon 146 is replaced by aspartic acid, an amino acid with highly similar properties. This amino acid position is conserved. In addition, this alteration is predicted to be tolerated by in silico analysis. Based on the available evidence, the clinical significance of this variant remains unclear.

NM_006648.4(WNK2):c.438G>T (p.Glu146Asp)

Gene: WNK2 (WNK lysine deficient protein kinase 2; plus strand). Cytogenetic location: 9q22.31.
Variant type: single nucleotide variant.
Coding change: c.438G>T on transcript NM_006648.4 (MANE Select); coding-DNA position 438, G replaced by T.
Protein change: p.Glu146Asp; replaces glutamic acid 146 with aspartic acid.
Molecular consequence: missense variant.
Genome position (GRCh38, 1-based): chr9:93,185,367, G>T. VCF-style: chr9-93185367-G-T. GRCh37 (hg19) VCF-style: chr9-95947649-G-T.
Other names: c.438G>T, p.Glu146Asp (NM_001282394.3); short protein forms E146D.
Identifiers: ClinVar variation 3817269 (VCV003817269.1).